The following is an entry in ClinVar:

ClinVar aggregate classification (germline): Uncertain significance. Review status: criteria provided, multiple submitters, no conflicts (2 of 4 stars). 3 submissions from 3 submitters: Uncertain significance (3). Last evaluated 2026-02-27.

Conditions:
HNF4A-related disorder. Also called: HNF4A-related condition.

Submissions (3):

GeneDx
Classification: Uncertain significance. Last evaluated: 2026-02-27. Review status: criteria provided, single submitter. Criteria: GeneDx Variant Classification Process June 2021. Collection method: clinical testing. Allele origin: germline.
Comment: Not observed at significant frequency in large population cohorts (gnomAD); In silico analysis supports that this missense variant has a deleterious effect on protein structure/function; Has not been previously published as pathogenic or benign to our knowledge; In silico analysis suggests this variant may impact gene splicing. In the absence of RNA/functional studies, the actual effect of this sequence change is unknown.

PreventionGenetics, part of Exact Sciences
Classification: Uncertain significance for HNF4A-related condition. Last evaluated: 2026-01-19. Review status: criteria provided, single submitter. Criteria: ACMG Guidelines, 2015. Collection method: clinical testing. Allele origin: germline.
Comment: The HNF4A c.860A>T variant is predicted to result in the amino acid substitution p.Lys287Met. To our knowledge, this variant has not been reported in the literature or in a large population database (gnomAD), indicating this variant is rare. At this time, the clinical significance of this variant is uncertain due to the absence of conclusive functional and genetic evidence.

Labcorp Genetics (formerly Invitae), Labcorp
Classification: Uncertain significance. Last evaluated: 2025-08-14. Review status: criteria provided, single submitter. Criteria: Invitae Variant Classification Sherloc (09022015). Collection method: clinical testing. Allele origin: germline.
Comment: This sequence change replaces lysine, which is basic and polar, with methionine, which is neutral and non-polar, at codon 287 of the HNF4A protein (p.Lys287Met). This variant is not present in population databases (gnomAD no frequency). This variant has not been reported in the literature in individuals affected with HNF4A-related conditions. Invitae Evidence Modeling of protein sequence and biophysical properties (such as structural, functional, and spatial information, amino acid conservation, physicochemical variation, residue mobility, and thermodynamic stability) has been performed for this missense variant. However, the output from this modeling did not meet the statistical confidence thresholds required to predict the impact of this variant on HNF4A protein function. In summary, the available evidence is currently insufficient to determine the role of this variant in disease. Therefore, it has been classified as a Variant of Uncertain Significance.

NM_175914.5(HNF4A):c.860A>T (p.Lys287Met)

Gene: HNF4A (hepatocyte nuclear factor 4 alpha; plus strand). Cytogenetic location: 20q13.12.
Variant type: single nucleotide variant.
Coding change: c.860A>T on transcript NM_175914.5 (MANE Select); coding-DNA position 860, A replaced by T.
Protein change: p.Lys287Met; replaces lysine 287 with methionine.
Molecular consequence: missense variant.
Genome position (GRCh38, 1-based): chr20:44,424,051, A>T. VCF-style: chr20-44424051-A-T. GRCh37 (hg19) VCF-style: chr20-43052691-A-T.
Other names: c.926A>T, p.Lys309Met (NM_000457.6, NM_178849.3, NM_178850.3); c.860A>T, p.Lys287Met (NM_001030003.3, NM_001030004.3); c.905A>T, p.Lys302Met (NM_001258355.2); c.851A>T, p.Lys284Met (NM_001287182.2, NM_001287183.2, NM_001287184.2); c.860A>T (NM_175914.3); short protein forms K284M, K302M, K309M, K287M.
Identifiers: ClinVar variation 4721683 (VCV004721683.2).